The following is an entry in ClinVar:

NM_004525.3(LRP2):c.428-18_428-8del

Gene: LRP2 (LDL receptor related protein 2; minus strand). Cytogenetic location: 2q31.1.
Variant type: Deletion.
Coding change: c.428-18_428-8del on transcript NM_004525.3 (MANE Select); 18 bases into the intron before coding-DNA position 428 through 8 bases into the intron before coding-DNA position 428, 11 bases deleted (TTTTTTTTTTT).
Molecular consequence: intron variant.
Genome position (GRCh38, 1-based): chr2:169,294,718-169,294,728, AAAAAAAAAAA deleted on the plus strand (TTTTTTTTTTT on the coding strand, the reverse complement: LRP2 is on the minus strand); deleting any 11 consecutive bases within chr2:169,294,718-169,294,740 gives the same sequence; the c. name uses the placement nearest the transcript's 3' end. VCF-style (leftmost placement, unchanged base first): chr2-169294717-TAAAAAAAAAAA-T. GRCh37 (hg19) VCF-style: chr2-170151227-TAAAAAAAAAAA-T.
Identifiers: ClinVar variation 1579219 (VCV001579219.11), dbSNP rs370823033, ClinGen allele CA760476270.

ClinVar aggregate classification (germline): Likely benign. Review status: criteria provided, multiple submitters, no conflicts (2 of 4 stars). 4 submissions from 4 submitters: Likely benign (4). Last evaluated 2026-02-01.

Conditions:
Donnai-Barrow syndrome. Also called: DBS/FOAR SYNDROME; FACIOOCULOACOUSTICORENAL SYNDROME. Identifiers: Orphanet 2143, MedGen C1857277, MONDO:0009104, OMIM 222448.

Submissions (4):

Labcorp Genetics (formerly Invitae), Labcorp
Classification: Likely benign. Last evaluated: 2026-02-01. Review status: criteria provided, single submitter. Criteria: Invitae Variant Classification Sherloc (09022015). Collection method: clinical testing. Allele origin: germline.

Blueprint Genetics
Classification: Likely benign. Last evaluated: 2024-05-23. Review status: criteria provided, single submitter. Criteria: ACMG Guidelines, 2015. Collection method: clinical testing. Allele origin: germline.

Mayo Clinic Laboratories, Mayo Clinic
Classification: Likely benign. Last evaluated: 2023-11-16. Review status: criteria provided, single submitter. Criteria: ACMG Guidelines, 2015. Collection method: clinical testing. Allele origin: germline. Observed: 2 variant alleles.
Comment: BP4, BP7, PM2_supporting

Fulgent Genetics
Classification: Likely benign for Donnai-Barrow syndrome. Last evaluated: 2021-10-02. Review status: criteria provided, single submitter. Criteria: ACMG Guidelines, 2015. Collection method: clinical testing. Allele origin: unknown.